The following is an entry in ClinVar:

NM_014915.3(ANKRD26):c.556G>T (p.Ala186Ser)

Gene: ANKRD26 (ankyrin repeat domain 26; minus strand). Cytogenetic location: 10p12.1.
Variant type: single nucleotide variant.
Coding change: c.556G>T on transcript NM_014915.3 (MANE Select); coding-DNA position 556, G replaced by T.
Protein change: p.Ala186Ser; replaces alanine 186 with serine.
Molecular consequence: missense variant.
Genome position (GRCh38, 1-based): chr10:27,092,488, C>A on the plus strand (G>T on the coding strand, the complement: ANKRD26 is on the minus strand). VCF-style: chr10-27092488-C-A. GRCh37 (hg19) VCF-style: chr10-27381417-C-A.
Other names: c.556G>T, p.Ala186Ser (NM_001256053.2); short protein forms A186S.
Identifiers: ClinVar variation 373726 (VCV000373726.8), dbSNP rs767744358, ClinGen allele CA5448888.

ClinVar aggregate classification (germline): Uncertain significance. Review status: criteria provided, multiple submitters, no conflicts (2 of 4 stars). 4 submissions from 4 submitters: Uncertain significance (4). Last evaluated 2025-04-17.

Conditions:
Inborn genetic diseases. Identifiers: MedGen C0950123, MeSH D030342.
Thrombocytopenia 2 (THC2). Also called: ANKRD26-Related Thrombocytopenia. Identifiers: Orphanet 268322, MedGen C1861185, MONDO:0008555, OMIM 188000.

Allele frequency attached by ClinVar (database versions not stated): TOPMed 0.00002.
gnomAD v4.1: 73 of 1,613,276 alleles (0.0045%); highest among the groups gnomAD compares: Middle Eastern, 0.016%; no homozygotes.

Submissions (4):

Labcorp Genetics (formerly Invitae), Labcorp
Classification: Uncertain significance. Last evaluated: 2025-04-17. Review status: criteria provided, single submitter. Criteria: Invitae Variant Classification Sherloc (09022015). Collection method: clinical testing. Allele origin: germline.
Comment: This sequence change replaces alanine, which is neutral and non-polar, with serine, which is neutral and polar, at codon 186 of the ANKRD26 protein (p.Ala186Ser). This variant is present in population databases (rs767744358, gnomAD 0.004%). This variant has not been reported in the literature in individuals affected with ANKRD26-related conditions. ClinVar contains an entry for this variant (Variation ID: 373726). An algorithm developed to predict the effect of missense changes on protein structure and function (PolyPhen-2) suggests that this variant is likely to be disruptive. In summary, the available evidence is currently insufficient to determine the role of this variant in disease. Therefore, it has been classified as a Variant of Uncertain Significance.

Ambry Genetics
Classification: Uncertain significance for Inborn genetic diseases. Last evaluated: 2024-11-21. Review status: criteria provided, single submitter. Criteria: Ambry Variant Classification Scheme 2023. Collection method: clinical testing. Allele origin: germline.
Comment: The p.A186S variant (also known as c.556G>T), located in coding exon 4 of the ANKRD26 gene, results from a G to T substitution at nucleotide position 556. The alanine at codon 186 is replaced by serine, an amino acid with similar properties. This amino acid position is conserved. In addition, the in silico prediction for this alteration is inconclusive. Based on the available evidence, the clinical significance of this variant remains unclear.

St. Jude Molecular Pathology, St. Jude Children's Research Hospital
Classification: Uncertain significance for Thrombocytopenia 2. Last evaluated: 2024-08-23. Review status: criteria provided, single submitter. Criteria: St. Jude Assertion Criteria 2020. Collection method: clinical testing. Allele origin: germline.
Comment: The ANKRD26 c.556G>T (p.Ala186Ser) missense change has a maximum subpopulation frequency of 0.002% in gnomAD v2.1.1. This variant is not located in the 5' UTR. The in silico tool REVEL is inconclusive about a pathogenic or benign effect of this variant on protein function, and to our knowledge functional studies have not been performed. To our knowledge, this variant has not been reported in individuals with ANKRD26-related thrombocytopenia. In summary, the evidence currently available is insufficient to determine the clinical significance of this variant. It has therefore been classified as of uncertain significance.

GeneDx
Classification: Uncertain significance. Last evaluated: 2016-12-04. Review status: criteria provided, single submitter. Criteria: GeneDx Variant Classification (06012015). Collection method: clinical testing. Allele origin: germline. Affected: yes.
Comment: The A186S variant in the ANKRD26 gene has not been reported previously as a pathogenic variant, nor as a benign variant, to our knowledge. The A186S variant was not observed in approximately 5,900 individuals of European and African American ancestry in the NHLBI Exome Sequencing Project, indicating it is not a common benign variant in these populations. The A186S variant is a non-conservative amino acid substitution, which is likely to impact secondary protein structure as these residues differ in polarity, charge, size and/or other properties. This substitution occurs at a position that is conserved across species. However, in silico analysis is inconsistent in its predictions as to whether or not the variant is damaging to the protein structure/function. We interpret A186S as a variant of uncertain significance.